The following is an entry in ClinVar:

ClinVar aggregate classification (germline): Uncertain significance. Review status: criteria provided, multiple submitters, no conflicts (2 of 4 stars). 4 submissions from 4 submitters: Uncertain significance (4). Last evaluated 2026-05-18.

Conditions:
Nephronophthisis 15 (NPHP15). Identifiers: Orphanet 3156, MedGen C3541853, MONDO:0013917, OMIM 614845.
CEP164-related disorder. Also called: CEP164-related condition.

Allele frequency attached by ClinVar (database versions not stated): TOPMed 0.00006; ExAC 0.00007; gnomAD exomes 0.00007; ESP Exome Variant Server 0.00008; gnomAD 0.00008; 1000 Genomes Project 30x 0.00016; 1000 Genomes Project 0.00020.
gnomAD v4.1: 160 of 1,614,164 alleles (0.0099%); highest among the groups gnomAD compares: Non-Finnish European, 0.012%; no homozygotes.

Submissions (4):

PreventionGenetics, part of Exact Sciences
Classification: Uncertain significance for CEP164-related condition. Last evaluated: 2026-05-18. Review status: criteria provided, single submitter. Criteria: ACMG Guidelines, 2015. Collection method: clinical testing. Allele origin: germline.
Comment: The CEP164 c.2858G>A variant is predicted to result in the amino acid substitution p.Arg953Gln. To our knowledge, this variant has not been reported in the literature. This variant is reported in 0.012% of alleles in individuals of African descent in gnomAD. At this time, the clinical significance of this variant is uncertain due to the absence of conclusive functional and genetic evidence.

Labcorp Genetics (formerly Invitae), Labcorp
Classification: Uncertain significance for Nephronophthisis 15. Last evaluated: 2024-10-31. Review status: criteria provided, single submitter. Criteria: Invitae Variant Classification Sherloc (09022015). Collection method: clinical testing. Allele origin: germline.
Comment: This sequence change replaces arginine, which is basic and polar, with glutamine, which is neutral and polar, at codon 953 of the CEP164 protein (p.Arg953Gln). This variant is present in population databases (rs184333345, gnomAD 0.01%). This variant has not been reported in the literature in individuals affected with CEP164-related conditions. ClinVar contains an entry for this variant (Variation ID: 837753). Invitae Evidence Modeling of protein sequence and biophysical properties (such as structural, functional, and spatial information, amino acid conservation, physicochemical variation, residue mobility, and thermodynamic stability) indicates that this missense variant is not expected to disrupt CEP164 protein function with a negative predictive value of 80%. In summary, the available evidence is currently insufficient to determine the role of this variant in disease. Therefore, it has been classified as a Variant of Uncertain Significance.

GeneDx
Classification: Uncertain significance. Last evaluated: 2024-02-25. Review status: criteria provided, single submitter. Criteria: GeneDx Variant Classification Process June 2021. Collection method: clinical testing. Allele origin: germline. Affected: yes.
Comment: In silico analysis supports that this missense variant does not alter protein structure/function; Has not been previously published as pathogenic or benign to our knowledge

Fulgent Genetics
Classification: Uncertain significance for Nephronophthisis 15. Last evaluated: 2021-10-11. Review status: criteria provided, single submitter. Criteria: ACMG Guidelines, 2015. Collection method: clinical testing. Allele origin: unknown.

NM_014956.5(CEP164):c.2858G>A (p.Arg953Gln)

Gene: CEP164 (centrosomal protein 164; plus strand). Cytogenetic location: 11q23.3.
Variant type: single nucleotide variant.
Coding change: c.2858G>A on transcript NM_014956.5 (MANE Select); coding-DNA position 2858, G replaced by A.
Protein change: p.Arg953Gln; replaces arginine 953 with glutamine.
Molecular consequence: missense variant.
Genome position (GRCh38, 1-based): chr11:117,395,136, G>A. VCF-style: chr11-117395136-G-A. GRCh37 (hg19) VCF-style: chr11-117265852-G-A.
Other names: c.2867G>A, p.Arg956Gln (NM_001271933.2); short protein forms R953Q, R956Q.
Identifiers: ClinVar variation 837753 (VCV000837753.12), dbSNP rs184333345, ClinGen allele CA6295255.